The following is an entry in ClinVar:

ClinVar aggregate classification (germline): Uncertain significance (1 of 4 stars; one submission).

Submission:

GeneDx
Classification: Uncertain significance. Last evaluated: 2023-05-26. Review status: criteria provided, single submitter. Criteria: GeneDx Variant Classification Process June 2021. Collection method: clinical testing. Allele origin: germline. Affected: yes.
Comment: Not observed at significant frequency in large population cohorts (gnomAD); In-frame deletion of 3 amino acids in a non-repeat region; In silico analysis supports that this variant does not alter protein structure/function; Has not been previously published as pathogenic or benign to our knowledge

NM_001374828.1(ARID1B):c.805_813del (p.Asp269_Ala271del)

Genes: ARID1B (AT-rich interaction domain 1B; plus strand), LOC115308161 (uncharacterized LOC115308161; minus strand), LOC129997525 (ATAC-STARR-seq lymphoblastoid silent region 17712; plus strand). Cytogenetic location: 6q25.3.
Variant type: Deletion.
Coding change: c.805_813del on transcript NM_001374828.1 (MANE Select); coding-DNA positions 805 to 813, 9 bases deleted (GACGACGCG; older notation c.805_813delGACGACGCG).
Protein change: p.Asp269_Ala271del.
Molecular consequence: inframe deletion. On other transcripts: non-coding transcript variant (1).
Genome position (GRCh38, 1-based): chr6:156,778,485-156,778,493, GACGACGCG deleted; deleting any 9 consecutive bases within chr6:156,778,484-156,778,493 gives the same sequence; the c. name uses the placement nearest the transcript's 3' end. VCF-style (leftmost placement, unchanged base first): chr6-156778483-AGGACGACGC-A. GRCh37 (hg19) VCF-style: chr6-157099617-AGGACGACGC-A.
Other names: c.805_813del, p.Asp269_Ala271del (NM_001371656.1, NM_001374820.1, NM_017519.3); c.556_564del (NM_020732.3).
Identifiers: ClinVar variation 3343821 (VCV003343821.1).